The following is an entry in ClinVar:

ClinVar aggregate classification (germline): Uncertain significance (1 of 4 stars; one submission).

Submission:

GeneDx
Classification: Uncertain significance. Last evaluated: 2025-03-26. Review status: criteria provided, single submitter. Criteria: GeneDx Variant Classification Process June 2021. Collection method: clinical testing. Allele origin: germline. Affected: yes.
Comment: Not observed at significant frequency in large population cohorts (gnomAD); In silico analysis supports that this missense variant has a deleterious effect on protein structure/function; In silico analysis supports a deleterious effect on splicing; Has not been previously published as pathogenic or benign to our knowledge

NM_020922.5(WNK3):c.4987G>A (p.Gly1663Arg)

Gene: WNK3 (WNK lysine deficient protein kinase 3; minus strand). Cytogenetic location: Xp11.22.
Variant type: single nucleotide variant.
Coding change: c.4987G>A on transcript NM_020922.5 (MANE Select); coding-DNA position 4987, G replaced by A.
Protein change: p.Gly1663Arg; replaces glycine 1663 with arginine.
Molecular consequence: missense variant.
Genome position (GRCh38, 1-based): chrX:54,202,077, C>T on the plus strand (G>A on the coding strand, the complement: WNK3 is on the minus strand). VCF-style: chrX-54202077-C-T. GRCh37 (hg19) VCF-style: chrX-54228510-C-T.
Other names: c.4816G>A, p.Gly1606Arg (NM_001002838.4, NM_001395166.1); short protein forms G1606R, G1663R.
Identifiers: ClinVar variation 4087971 (VCV004087971.1).